The following is an entry in ClinVar:

NM_001267550.2(TTN):c.59394del (p.Val19800fs)

Genes: TTN (titin; minus strand), TTN-AS1 (TTN antisense RNA 1; plus strand), LOC126806424 (CDK7 strongly-dependent group 2 enhancer GRCh37_chr2:179456337-179457536; plus strand). Cytogenetic location: 2q31.2.
Variant type: Deletion.
Coding change: c.59394del on transcript NM_001267550.2 (MANE Select); coding-DNA position 59394, one base deleted (T; older notation c.59394delT).
Protein change: p.Val19800fs; shifts the reading frame from valine 19800.
Molecular consequence: frameshift variant.
Genome position (GRCh38, 1-based): chr2:178,592,611, A deleted on the plus strand (T on the coding strand, the reverse complement: TTN is on the minus strand); the first of 2 consecutive A bases (chr2:178,592,611-178,592,612); deleting either gives the same sequence. VCF-style (leftmost placement, unchanged base first): chr2-178592610-TA-T. GRCh37 (hg19) VCF-style: chr2-179457337-TA-T.
Other names: c.54471del, p.Val18159fs (NM_001256850.1); c.32199del, p.Val10735fs (NM_003319.4); c.51690del, p.Val17232fs (NM_133378.4); c.32574del, p.Val10860fs (NM_133432.3); c.32775del, p.Val10927fs (NM_133437.4); c.32199delT (NM_003319.4); short protein forms V10735fs, V10860fs, V17232fs, V10927fs, V19800fs, V18159fs.
Identifiers: ClinVar variation 1729018 (VCV001729018.2), dbSNP rs2469538973, ClinGen allele CA2580064886.

ClinVar aggregate classification (germline): Likely pathogenic (1 of 4 stars; one submission).

Conditions:
Cardiovascular phenotype. Identifiers: MedGen CN230736.

Submission:

Ambry Genetics
Classification: Likely pathogenic for Cardiovascular phenotype. Last evaluated: 2019-06-26. Review status: criteria provided, single submitter. Criteria: Ambry Variant Classification Scheme 2023. Collection method: clinical testing. Allele origin: germline.
Comment: The c.32199delT variant, located in coding exon 128 of the TTN gene, results from a deletion of one nucleotide at nucleotide position 32199, causing a translational frameshift with a predicted alternate stop codon (p.V10735Lfs*5). This exon is located in the A-band region of the N2-B isoform of the titin protein and is constitutively expressed in TTN transcripts (percent spliced in or PSI 100%). This alteration is expected to result in loss of function by premature protein truncation or nonsense-mediated mRNA decay. While truncating variants in TTN are present in 1-3% of the general population, truncating variants in the A-band are the most common cause of dilated cardiomyopathy (DCM) (Herman DS et al. N. Engl. J. Med. 2012 Feb;366:619-28; Roberts AM et al. Sci Transl Med. 2015 Jan;7:270ra6). TTN truncating variants encoded in constitutive exons (PSI >90%) have been found to be significantly associated with DCM regardless of their position in titin (Schafer S et al. Nat. Genet. 2017 Jan;49:46-53). As such, this alteration is classified as likely pathogenic.